The following is an entry in ClinVar:

NM_016239.4(MYO15A):c.6562C>T (p.Leu2188Phe)

Gene: MYO15A (myosin XVA; plus strand). Cytogenetic location: 17p11.2.
Variant type: single nucleotide variant.
Coding change: c.6562C>T on transcript NM_016239.4 (MANE Select); coding-DNA position 6562, C replaced by T.
Protein change: p.Leu2188Phe; replaces leucine 2188 with phenylalanine.
Molecular consequence: missense variant.
Genome position (GRCh38, 1-based): chr17:18,148,081, C>T. VCF-style: chr17-18148081-C-T. GRCh37 (hg19) VCF-style: chr17-18051395-C-T.
Other names: short protein forms L2188F.
Identifiers: ClinVar variation 5008998 (VCV005008998.1).

ClinVar aggregate classification (germline): Uncertain significance (1 of 4 stars; one submission).

gnomAD v4.1: 1 of 1,613,846 alleles (0.000062%); highest among the groups gnomAD compares: African/African-American, 0.0013%; no homozygotes.

Submission:

GeneDx
Classification: Uncertain significance. Last evaluated: 2026-02-11. Review status: criteria provided, single submitter. Criteria: GeneDx Variant Classification Process June 2021. Collection method: clinical testing. Allele origin: germline.
Comment: In silico analysis supports that this missense variant has a deleterious effect on protein structure/function; Has not been previously published as pathogenic or benign to our knowledge